The following is an entry in ClinVar:

NM_002049.4(GATA1):c.1132C>T (p.His378Tyr)

Gene: GATA1 (GATA binding protein 1; plus strand). Cytogenetic location: Xp11.23.
Variant type: single nucleotide variant.
Coding change: c.1132C>T on transcript NM_002049.4 (MANE Select); coding-DNA position 1132, C replaced by T.
Protein change: p.His378Tyr; replaces histidine 378 with tyrosine.
Molecular consequence: missense variant.
Genome position (GRCh38, 1-based): chrX:48,794,054, C>T. VCF-style: chrX-48794054-C-T. GRCh37 (hg19) VCF-style: chrX-48652461-C-T.
Other names: short protein forms H378Y.
Identifiers: ClinVar variation 2630838 (VCV002630838.1), dbSNP rs2519346837, ClinGen allele CA412872003.
Genomic context (GRCh38, chrX:48,794,054, plus strand): 5'-CCAGGTACTGCCCATCTCTACCAAGGCCTGGGCCCTGTGGTGCTGTCAGGGCCTGTTAGC[C>T]ACCTCATGCCTTTCCCTGGACCCCTACTGGGCTCACCCACGGGCTCCTTCCCCACAGGCC-3'
Protein context (NP_002040.1, residues 368-388): GPVVLSGPVS[His378Tyr]LMPFPGPLLG

ClinVar aggregate classification (germline): Uncertain significance (1 of 4 stars; one submission).

Conditions:
GATA1-related disorder. Also called: GATA1-related condition.

Allele frequency attached by ClinVar (database versions not stated): gnomAD exomes below 0.00001.
gnomAD v4.1: 2 of 1,210,969 alleles (0.00017%); highest among the groups gnomAD compares: Non-Finnish European, 0.00022%; no homozygotes.

Submission:

PreventionGenetics, part of Exact Sciences
Classification: Uncertain significance for GATA1-related condition. Last evaluated: 2023-08-18. Review status: criteria provided, single submitter. Criteria: ACMG Guidelines, 2015. Collection method: clinical testing. Allele origin: germline.
Comment: The GATA1 c.1132C>T variant is predicted to result in the amino acid substitution p.His378Tyr. To our knowledge, this variant has not been reported in the literature or in a large population database, indicating this variant is rare. At this time, the clinical significance of this variant is uncertain due to the absence of conclusive functional and genetic evidence.